The following is an entry in ClinVar:

NM_033026.6(PCLO):c.6935T>A (p.Ile2312Asn)

Gene: PCLO (piccolo presynaptic cytomatrix protein; minus strand). Cytogenetic location: 7q21.11.
Variant type: single nucleotide variant.
Coding change: c.6935T>A on transcript NM_033026.6 (MANE Select); coding-DNA position 6935, T replaced by A.
Protein change: p.Ile2312Asn; replaces isoleucine 2312 with asparagine.
Molecular consequence: missense variant.
Genome position (GRCh38, 1-based): chr7:82,954,018, A>T on the plus strand (T>A on the coding strand, the complement: PCLO is on the minus strand). VCF-style: chr7-82954018-A-T. GRCh37 (hg19) VCF-style: chr7-82583334-A-T.
Other names: c.6935T>A, p.Ile2312Asn (NM_014510.3); short protein forms I2312N.
Identifiers: ClinVar variation 2972950 (VCV002972950.3), dbSNP rs758260337, ClinGen allele CA4320385.

ClinVar aggregate classification (germline): Uncertain significance (1 of 4 stars; one submission).

Allele frequency attached by ClinVar (database versions not stated): gnomAD exomes below 0.00001; ExAC 0.00001; gnomAD 0.00001.
gnomAD v4.1: 2 of 1,613,802 alleles (0.00012%); highest among the groups gnomAD compares: Non-Finnish European, 0.000085%; no homozygotes.

Submission:

Labcorp Genetics (formerly Invitae), Labcorp
Classification: Uncertain significance. Last evaluated: 2023-11-27. Review status: criteria provided, single submitter. Criteria: Invitae Variant Classification Sherloc (09022015). Collection method: clinical testing. Allele origin: germline.
Comment: This sequence change replaces isoleucine, which is neutral and non-polar, with asparagine, which is neutral and polar, at codon 2312 of the PCLO protein (p.Ile2312Asn). This variant is present in population databases (rs758260337, gnomAD 0.0009%). This variant has not been reported in the literature in individuals affected with PCLO-related conditions. Experimental studies and prediction algorithms are not available or were not evaluated, and the functional significance of this variant is currently unknown. In summary, the available evidence is currently insufficient to determine the role of this variant in disease. Therefore, it has been classified as a Variant of Uncertain Significance.